The following is an entry in ClinVar:

ClinVar aggregate classification (germline): Pathogenic (1 of 4 stars; one submission).

Conditions:
GNPTAB-mucolipidosis. Also called: UDP-N-acetylglucosamine-1-phosphotransferase subunit alpha/beta deficiency. Identifiers: MedGen CN322573, MONDO:0100122.

Submission:

Myriad Genetics, Inc.
Classification: Pathogenic for GNPTAB-mucolipidosis. Last evaluated: 2026-08-27. Review status: criteria provided, single submitter. Criteria: Myriad Autosomal Dominant, Autosomal Recessive and X-Linked Classification Criteria (2023). Collection method: clinical testing. Allele origin: unknown.
Comment: NM_024312.4(GNPTAB):c.2766delT(N922Kfs*6) is expected to be pathogenic in the context of GNPTAB-related disorders. This variant is predicted to lead to an abnormal or absent protein product due to the creation of a premature termination codon in GNPTAB, a gene where loss-of-function variants are known to be pathogenic. Please note: this variant was assessed in the context of healthy population screening.

NM_024312.5(GNPTAB):c.2766del (p.Asn922fs)

Gene: GNPTAB (N-acetylglucosamine-1-phosphate transferase subunits alpha and beta; minus strand). Cytogenetic location: 12q23.2.
Variant type: Deletion.
Coding change: c.2766del on transcript NM_024312.5 (MANE Select); coding-DNA position 2766, one base deleted (T; older notation c.2766delT).
Protein change: p.Asn922fs; shifts the reading frame from asparagine 922.
Molecular consequence: frameshift variant.
Genome position (GRCh38, 1-based): chr12:101,761,713, A deleted on the plus strand (T on the coding strand, the reverse complement: GNPTAB is on the minus strand). VCF-style (leftmost placement, unchanged base first): chr12-101761712-TA-T. GRCh37 (hg19) VCF-style: chr12-102155490-TA-T.
Other names: short protein forms N922fs.
Identifiers: ClinVar variation 5016287 (VCV005016287.1).